The following is an entry in ClinVar:

ClinVar aggregate classification (germline): Benign (1 of 4 stars; one submission).

Allele frequency attached by ClinVar (database versions not stated): gnomAD 0.89932 and 0.90305; 1000 Genomes Project 0.90256; 1000 Genomes Project 30x 0.90319; TOPMed 0.90420.
gnomAD v4.1: 136,675 of 151,942 alleles (90%); highest among the groups gnomAD compares: East Asian, 99%; 61,610 homozygotes.

Submission:

GeneDx
Classification: Benign. Last evaluated: 2018-06-14. Review status: criteria provided, single submitter. Criteria: GeneDx Variant Classification (06012015). Collection method: clinical testing. Allele origin: germline. Affected: yes.
Comment: This variant is considered likely benign or benign based on one or more of the following criteria: it is a conservative change, it occurs at a poorly conserved position in the protein, it is predicted to be benign by multiple in silico algorithms, and/or has population frequency not consistent with disease.

NM_000540.3(RYR1):c.1441-235A>G

Gene: RYR1 (ryanodine receptor 1; plus strand). Cytogenetic location: 19q13.2.
Variant type: single nucleotide variant.
Coding change: c.1441-235A>G on transcript NM_000540.3 (MANE Select); 235 bases into the intron before coding-DNA position 1441, A replaced by G.
Molecular consequence: intron variant.
Genome position (GRCh38, 1-based): chr19:38,455,000, A>G. VCF-style: chr19-38455000-A-G. GRCh37 (hg19) VCF-style: chr19-38945640-A-G.
Other names: c.1441-235A>G (NM_001042723.2).
Identifiers: ClinVar variation 669164 (VCV000669164.1), dbSNP rs7250476, ClinGen allele CA15959394.